The following is an entry in ClinVar:

NM_001374736.1(DST):c.8115A>G (p.Lys2705=)

Gene: DST (dystonin; minus strand). Cytogenetic location: 6p12.1.
Variant type: single nucleotide variant.
Coding change: c.8115A>G on transcript NM_001374736.1 (MANE Select); coding-DNA position 8115, A replaced by G.
Protein change: p.Lys2705=; no amino-acid change (lysine 2705 retained).
Molecular consequence: synonymous variant. On other transcripts: intron variant (6).
Genome position (GRCh38, 1-based): chr6:56,606,513, T>C on the plus strand (A>G on the coding strand, the complement: DST is on the minus strand). VCF-style: chr6-56606513-T-C. GRCh37 (hg19) VCF-style: chr6-56471311-T-C.
Other names: c.8115A>G, p.Lys2705= (NM_001374722.1); c.7482A>G, p.Lys2494= (NM_001374729.1); c.8142A>G, p.Lys2714= (NM_001374734.1); c.5184+3914A>G (NM_001144769.5); c.4770+3914A>G (NM_001144770.2); c.4650+3914A>G (NM_001374730.1, NM_001386100.1, NM_183380.4); c.3672+3914A>G (NM_015548.5).
Identifiers: ClinVar variation 3341924 (VCV003341924.16).

ClinVar aggregate classification (germline): Likely benign (1 of 4 stars; one submission).

gnomAD v4.1: 19 of 1,613,314 alleles (0.0012%); highest among the groups gnomAD compares: Non-Finnish European, 0.0016%; no homozygotes.

Submission:

CeGaT Center for Human Genetics Tuebingen
Classification: Likely benign. Last evaluated: 2024-08-01. Review status: criteria provided, single submitter. Criteria: CeGaT Center For Human Genetics Tuebingen Variant Classification Criteria Version 2. Collection method: clinical testing. Allele origin: germline. Affected: yes. Observed: 1 variant allele.
Comment: DST: BP4, BP7